The following is an entry in ClinVar:

ClinVar aggregate classification (germline): Uncertain significance (1 of 4 stars; one submission).

Allele frequency attached by ClinVar (database versions not stated): TOPMed 0.00001; ExAC 0.00002; gnomAD 0.00002; gnomAD exomes 0.00002.
gnomAD v4.1: 32 of 1,613,932 alleles (0.002%); highest among the groups gnomAD compares: South Asian, 0.033%; no homozygotes.

Submission:

Labcorp Genetics (formerly Invitae), Labcorp
Classification: Uncertain significance. Last evaluated: 2022-05-14. Review status: criteria provided, single submitter. Criteria: Invitae Variant Classification Sherloc (09022015). Collection method: clinical testing. Allele origin: germline.
Comment: This sequence change replaces tyrosine, which is neutral and polar, with cysteine, which is neutral and slightly polar, at codon 955 of the SZT2 protein (p.Tyr955Cys). This variant is present in population databases (rs767898126, gnomAD 0.02%). This variant has not been reported in the literature in individuals affected with SZT2-related conditions. Algorithms developed to predict the effect of missense changes on protein structure and function (SIFT, PolyPhen-2, Align-GVGD) all suggest that this variant is likely to be disruptive. In summary, the available evidence is currently insufficient to determine the role of this variant in disease. Therefore, it has been classified as a Variant of Uncertain Significance.

NM_001365999.1(SZT2):c.2864A>G (p.Tyr955Cys)

Gene: SZT2 (SZT2 subunit of KICSTOR complex; plus strand). Cytogenetic location: 1p34.2.
Variant type: single nucleotide variant.
Coding change: c.2864A>G on transcript NM_001365999.1 (MANE Select); coding-DNA position 2864, A replaced by G.
Protein change: p.Tyr955Cys; replaces tyrosine 955 with cysteine.
Molecular consequence: missense variant.
Genome position (GRCh38, 1-based): chr1:43,425,884, A>G. VCF-style: chr1-43425884-A-G. GRCh37 (hg19) VCF-style: chr1-43891555-A-G.
Other names: c.2864A>G, p.Tyr955Cys (NM_015284.4); short protein forms Y955C.
Identifiers: ClinVar variation 2141868 (VCV002141868.1), dbSNP rs767898126, ClinGen allele CA808835.